The following is an entry in ClinVar:

ClinVar aggregate classification (germline): Pathogenic/Likely pathogenic. Review status: criteria provided, multiple submitters, no conflicts (2 of 4 stars). 2 submissions from 2 submitters: Pathogenic (1); Likely pathogenic (1). Last evaluated 2024-09-16.

Conditions:
Hepatic methionine adenosyltransferase deficiency. Also called: Methionine adenosyltransferase deficiency; MAT I/III DEFICIENCY; Deficiency of methionine adenosyltransferase; Isolated Persistent Hypermethioninemia. Identifiers: Orphanet 168598, MedGen C0268621, MeSH C564683, MONDO:0009607, OMIM 250850.

gnomAD v4.1: 2 of 1,614,136 alleles (0.00012%); highest among the groups gnomAD compares: East Asian, 0.0022%; no homozygotes.

Submissions (2):

Women's Health and Genetics/Laboratory Corporation of America, LabCorp
Classification: Pathogenic for Hepatic methionine adenosyltransferase deficiency. Last evaluated: 2024-09-16. Review status: criteria provided, single submitter. Criteria: LabCorp Variant Classification Summary - May 2015. Collection method: clinical testing. Allele origin: germline.
Comment: Variant summary: MAT1A c.188G>T (p.Gly63Val) results in a non-conservative amino acid change located in the S-adenosylmethionine synthetase, N-terminal domain (IPR022628) of the encoded protein sequence. Five of five in-silico tools predict a damaging effect of the variant on protein function. The variant was absent in 251120 control chromosomes. c.188G>T has been reported in the literature in multiple compound heterozygous individuals affected with hepatic methionine adenosyltransferase deficiency (e.g., Zhang_2022; Tong_2023). These data indicate that the variant is very likely to be associated with disease. To our knowledge, no experimental evidence demonstrating an impact on protein function has been reported. The following publications have been ascertained in the context of this evaluation (PMID: 36704196, 36246604). No submitters have cited clinical-significance assessments for this variant to ClinVar. Based on the evidence outlined above, the variant was classified as pathogenic.

Juno Genomics, Hangzhou Juno Genomics, Inc
Classification: Likely pathogenic for Hepatic methionine adenosyltransferase deficiency. Review status: criteria provided, single submitter. Criteria: ACMG Guidelines, 2015. Collection method: clinical testing. Allele origin: germline.
Comment: Absent from controls (or at extremely low frequency if recessive) in Genome Aggregation Database.;Multiple lines of computational evidence support a deleterious effect on the gene or gene product.;For recessive disorders, detected in trans with a pathogenic variant.;Patient's phenotype or family history is highly specific for a disease with a single genetic etiology.

Literature cited by the submitters: PubMed 36246604 (cited by Women's Health and Genetics/Laboratory Corporation of America, LabCorp); PubMed 36704196 (cited by Women's Health and Genetics/Laboratory Corporation of America, LabCorp).

NM_000429.3(MAT1A):c.188G>T (p.Gly63Val)

Gene: MAT1A (methionine adenosyltransferase 1A; minus strand). Cytogenetic location: 10q22.3.
Variant type: single nucleotide variant.
Coding change: c.188G>T on transcript NM_000429.3 (MANE Select); coding-DNA position 188, G replaced by T.
Protein change: p.Gly63Val; replaces glycine 63 with valine.
Molecular consequence: missense variant.
Genome position (GRCh38, 1-based): chr10:80,284,020, C>A on the plus strand (G>T on the coding strand, the complement: MAT1A is on the minus strand). VCF-style: chr10-80284020-C-A. GRCh37 (hg19) VCF-style: chr10-82043776-C-A.
Other names: short protein forms G63V.
Identifiers: ClinVar variation 3375460 (VCV003375460.4).